The following is an entry in ClinVar:

NM_001792.5(CDH2):c.2435G>T (p.Arg812Ile)

Genes: CDH2 (cadherin 2; minus strand), CDH2-AS1 (CDH2 antisense RNA 1; plus strand). Cytogenetic location: 18q12.1.
Variant type: single nucleotide variant.
Coding change: c.2435G>T on transcript NM_001792.5 (MANE Select); coding-DNA position 2435, G replaced by T.
Protein change: p.Arg812Ile; replaces arginine 812 with isoleucine.
Molecular consequence: missense variant.
Genome position (GRCh38, 1-based): chr18:27,963,436, C>A on the plus strand (G>T on the coding strand, the complement: CDH2 is on the minus strand). VCF-style: chr18-27963436-C-A. GRCh37 (hg19) VCF-style: chr18-25543400-C-A.
Other names: c.2342G>T, p.Arg781Ile (NM_001308176.2); short protein forms R781I, R812I.
Identifiers: ClinVar variation 2748098 (VCV002748098.3), dbSNP rs2510776966, ClinGen allele CA402104018.

ClinVar aggregate classification (germline): Uncertain significance (1 of 4 stars; one submission).

Submission:

Labcorp Genetics (formerly Invitae), Labcorp
Classification: Uncertain significance. Last evaluated: 2023-07-29. Review status: criteria provided, single submitter. Criteria: Invitae Variant Classification Sherloc (09022015). Collection method: clinical testing. Allele origin: germline.
Comment: In summary, the available evidence is currently insufficient to determine the role of this variant in disease. Therefore, it has been classified as a Variant of Uncertain Significance. An algorithm developed to predict the effect of missense changes on protein structure and function (PolyPhen-2) suggests that this variant is likely to be disruptive. This variant has not been reported in the literature in individuals affected with CDH2-related conditions. This variant is not present in population databases (gnomAD no frequency). This sequence change replaces arginine, which is basic and polar, with isoleucine, which is neutral and non-polar, at codon 812 of the CDH2 protein (p.Arg812Ile).